The following is an entry in ClinVar:

NM_000203.5(IDUA):c.439C>T (p.Gln147Ter)

Gene: IDUA (alpha-L-iduronidase; plus strand). Cytogenetic location: 4p16.3.
Variant type: single nucleotide variant.
Coding change: c.439C>T on transcript NM_000203.5 (MANE Select); coding-DNA position 439, C replaced by T.
Protein change: p.Gln147Ter; replaces glutamine 147 with a stop codon.
Molecular consequence: nonsense. On other transcripts: non-coding transcript variant (1).
Genome position (GRCh38, 1-based): chr4:1,000,935, C>T. VCF-style: chr4-1000935-C-T. GRCh37 (hg19) VCF-style: chr4-994723-C-T.
Other names: NM_000203.5(IDUA):c.439C>T; p.Gln147Ter; c.43C>T, p.Gln15Ter (NM_001363576.1); c.439C>T (NM_000203.4); short protein forms Q147*, Q15*.
Identifiers: ClinVar variation 984179 (VCV000984179.10), dbSNP rs1389029860, ClinGen allele CA355961461.

ClinVar aggregate classification (germline): Likely pathogenic. Review status: reviewed by expert panel (3 of 4 stars). 4 submissions from 4 submitters: Likely pathogenic (1). 3 of the submissions do not count toward it. Last evaluated 2024-12-05.

Conditions:
IDUA-related disorder. Also called: IDUA-related condition.
Mucopolysaccharidosis type 1. Also called: IDUA deficiency; MPS I; Mucopolysaccharidosis Type I. Identifiers: Orphanet 579, MedGen C0023786, MONDO:0001586.
Mucopolysaccharidosis, MPS-I-H/S. Also called: Mucopolysaccharidosis type IH/S. Identifiers: Orphanet 93476, MedGen C0086431, MONDO:0011759, OMIM 607015.

Allele frequency attached by ClinVar (database versions not stated): TOPMed below 0.00001.

Submissions (4):

ClinGen Lysosomal Storage Disorder Variant Curation Expert Panel
Classification: Likely pathogenic for Mucopolysaccharidosis type 1. Last evaluated: 2024-12-05. Review status: reviewed by expert panel. Criteria: ClinGen LSD ACMG Specifications IDUA V1.0.0. Collection method: curation. Allele origin: germline. Inheritance: Autosomal recessive inheritance.
Comment: The NM_000203.5:c.439C>T (p.Gln147Ter) variant in IDUA is a nonsense variant predicted to cause a premature stop codon in biologically relevant exon 4 of 14 leading to nonsense mediated decay in a gene in which loss-of-function is an established disease mechanism (PVS1). This variant has not been reported in the literature, but has been reported in ClinVar (Variation ID: 984179). This variant is absent from gnomAD v4.1.0. (PM2_Supporting). The ClinGen SVI recommendation for absence/rarity (PM2) suggests that the combination of PVS1 and PM2 should be considered as 'likely pathogenic'. Therefore this variant meets the criteria to be classified as likely pathogenic for MPS I based on the ACMG/AMP criteria applied, as specified by the ClinGen Lysosomal Diseases Variant Curation Expert Panel (Specifications Version 1.0.0.): PVS1, PM2_Supporting. (Classification approved by the ClinGen Lysosomal Diseases Variant Curation Expert Panel on December 5, 2024)

Labcorp Genetics (formerly Invitae), Labcorp
Classification: Pathogenic for Mucopolysaccharidosis type 1. Last evaluated: 2025-06-27. Review status: criteria provided, single submitter. Criteria: Invitae Variant Classification Sherloc (09022015). Collection method: clinical testing. Allele origin: germline. Not counted in ClinVar's aggregate classification.
Comment: This sequence change creates a premature translational stop signal (p.Gln147*) in the IDUA gene. It is expected to result in an absent or disrupted protein product. Loss-of-function variants in IDUA are known to be pathogenic (PMID: 11735025, 21480867). This variant is not present in population databases (gnomAD no frequency). This variant has not been reported in the literature in individuals affected with IDUA-related conditions. ClinVar contains an entry for this variant (Variation ID: 984179). Algorithms developed to predict the effect of sequence changes on RNA splicing suggest that this variant may disrupt the consensus splice site. For these reasons, this variant has been classified as Pathogenic.

Myriad Genetics, Inc.
Classification: Likely pathogenic for Mucopolysaccharidosis, MPS-I-H/S. Last evaluated: 2019-05-16. Review status: criteria provided, single submitter. Criteria: Myriad Women's Health Autosomal Recessive and X-Linked Classification Criteria (2019). Collection method: clinical testing. Allele origin: unknown. Not counted in ClinVar's aggregate classification.
Comment: NM_000203.3(IDUA):c.439C>T(Q147*) is expected to be pathogenic in the context of mucopolysaccharidosis type I. This variant is predicted to lead to an abnormal or absent protein product due to the creation of a premature termination codon in IDUA, a gene where loss-of-function variants are known to be pathogenic. Please note: this variant was assessed in the context of healthy population screening.

PreventionGenetics, part of Exact Sciences
Classification: Likely pathogenic for IDUA-related condition. Last evaluated: 2024-04-03. Review status: no assertion criteria provided. Collection method: clinical testing. Allele origin: germline. Not counted in ClinVar's aggregate classification.
Comment: The IDUA c.439C>T variant is predicted to result in premature protein termination (p.Gln147*). To our knowledge, this variant has not been reported in the literature or in a large population database, indicating this variant is rare. Nonsense variants in IDUA are expected to be pathogenic. This variant is interpreted as likely pathogenic.

Literature cited by the submitters: PubMed 11735025 (cited by Labcorp Genetics (formerly Invitae), Labcorp); PubMed 21480867 (cited by Labcorp Genetics (formerly Invitae), Labcorp).